The following is an entry in ClinVar:

ClinVar aggregate classification (germline): Uncertain significance (1 of 4 stars; one submission).

Conditions:
Fanconi anemia complementation group J. Also called: BRIP1-Related Fanconi Anemia. Identifiers: Orphanet 84, MedGen C1836860, MONDO:0012187, OMIM 609054.
Familial cancer of breast. Also called: Hereditary breast cancer; BREAST CANCER, FAMILIAL; hereditary breast carcinoma. Identifiers: Orphanet 227535, MedGen C0346153, MONDO:0016419, OMIM 114480. Disease mechanism: loss of function.

Submission:

Labcorp Genetics (formerly Invitae), Labcorp
Classification: Uncertain significance for Familial cancer of breast; Fanconi anemia complementation group J. Last evaluated: 2025-05-13. Review status: criteria provided, single submitter. Criteria: Invitae Variant Classification Sherloc (09022015). Collection method: clinical testing. Allele origin: germline.
Comment: This sequence change replaces histidine, which is basic and polar, with glutamine, which is neutral and polar, at codon 91 of the BRIP1 protein (p.His91Gln). This variant is not present in population databases (gnomAD no frequency). This variant has not been reported in the literature in individuals affected with BRIP1-related conditions. ClinVar contains an entry for this variant (Variation ID: 1523321). Invitae Evidence Modeling of protein sequence and biophysical properties (such as structural, functional, and spatial information, amino acid conservation, physicochemical variation, residue mobility, and thermodynamic stability) has been performed for this missense variant. However, the output from this modeling did not meet the statistical confidence thresholds required to predict the impact of this variant on BRIP1 protein function. In summary, the available evidence is currently insufficient to determine the role of this variant in disease. Therefore, it has been classified as a Variant of Uncertain Significance.

NM_032043.3(BRIP1):c.273T>G (p.His91Gln)

Gene: BRIP1 (BRCA1 interacting DNA helicase 1; minus strand). Cytogenetic location: 17q23.2.
Variant type: single nucleotide variant.
Coding change: c.273T>G on transcript NM_032043.3 (MANE Select); coding-DNA position 273, T replaced by G.
Protein change: p.His91Gln; replaces histidine 91 with glutamine.
Molecular consequence: missense variant.
Genome position (GRCh38, 1-based): chr17:61,857,164, A>C on the plus strand (T>G on the coding strand, the complement: BRIP1 is on the minus strand). VCF-style: chr17-61857164-A-C. GRCh37 (hg19) VCF-style: chr17-59934525-A-C.
Other names: short protein forms H91Q.
Identifiers: ClinVar variation 1523321 (VCV001523321.9), dbSNP rs2145829382, ClinGen allele CA400485481.